The following is an entry in ClinVar:

ClinVar aggregate classification (germline): Pathogenic (1 of 4 stars; one submission).

Submission:

Labcorp Genetics (formerly Invitae), Labcorp
Classification: Pathogenic. Last evaluated: 2024-02-17. Review status: criteria provided, single submitter. Criteria: Invitae Variant Classification Sherloc (09022015). Collection method: clinical testing. Allele origin: germline.
Comment: This sequence change creates a premature translational stop signal (p.Leu279Valfs*5) in the PRDM5 gene. It is expected to result in an absent or disrupted protein product. Loss-of-function variants in PRDM5 are known to be pathogenic (PMID: 21664999, 26395458). This variant is not present in population databases (gnomAD no frequency). This variant has not been reported in the literature in individuals affected with PRDM5-related conditions. For these reasons, this variant has been classified as Pathogenic.

Literature cited by the submitters: PubMed 21664999; PubMed 26395458.

NM_018699.4(PRDM5):c.806_834dup (p.Leu279delinsValGluArgGlyTer)

Gene: PRDM5 (PR/SET domain 5; minus strand). Cytogenetic location: 4q27.
Variant type: Duplication.
Coding change: c.806_834dup on transcript NM_018699.4 (MANE Select); coding-DNA positions 806 to 834, 29 bases duplicated (GTGGAAAGAGGCTGAAGAGCAAGGATGCC).
Protein change: p.Leu279delinsValGluArgGlyTer.
Molecular consequence: nonsense.
Genome position (GRCh38, 1-based): chr4:120,816,484-120,816,512, GGCATCCTTGCTCTTCAGCCTCTTTCCAC duplicated on the plus strand (GTGGAAAGAGGCTGAAGAGCAAGGATGCC on the coding strand, the reverse complement: PRDM5 is on the minus strand). VCF-style (leftmost placement, unchanged base first): chr4-120816483-G-GGGCATCCTTGCTCTTCAGCCTCTTTCCAC. GRCh37 (hg19) VCF-style: chr4-121737638-G-GGGCATCCTTGCTCTTCAGCCTCTTTCCAC.
Other names: c.713_741dup, p.Leu248delinsValGluArgGlyTer (NM_001300823.2, NM_001300824.2, NM_001379106.1); c.806_834dup, p.Leu279delinsValGluArgGlyTer (NM_001379104.1).
Identifiers: ClinVar variation 3641721 (VCV003641721.2).
Genomic context (GRCh38, chr4:120,816,483, plus strand): 5'-TTCGGAAACGACCCTCCAACGACTCCTCACCAGTGTGGACATTTTCCTGGTGTCTTTTCA[G>GGGCATCCTTGCTCTTCAGCCTCTTTCCAC]GGCATCCTTGCTCTTCAGCCTCTTTCCACAGCTGTCAGCCTTGCACACAAACCTGGCATC-3'